The following is an entry in ClinVar:

ClinVar aggregate classification (germline): Uncertain significance (1 of 4 stars; one submission).

Conditions:
Long QT syndrome (LQTS). Identifiers: MedGen C0023976, MeSH D008133, MONDO:0002442. Disease mechanism: loss of function. Inheritance: Various modes of inheritance.

Allele frequency attached by ClinVar (database versions not stated): gnomAD exomes below 0.00001; gnomAD 0.00001.
gnomAD v4.1: 2 of 1,611,338 alleles (0.00012%); highest among the groups gnomAD compares: African/African-American, 0.0013%; no homozygotes.

Submission:

Labcorp Genetics (formerly Invitae), Labcorp
Classification: Uncertain significance for Long QT syndrome. Last evaluated: 2022-05-18. Review status: criteria provided, single submitter. Criteria: Invitae Variant Classification Sherloc (09022015). Collection method: clinical testing. Allele origin: germline.
Comment: In summary, the available evidence is currently insufficient to determine the role of this variant in disease. Therefore, it has been classified as a Variant of Uncertain Significance. Algorithms developed to predict the effect of missense changes on protein structure and function output the following: SIFT: "Tolerated"; PolyPhen-2: "Benign"; Align-GVGD: "Class C0". The methionine amino acid residue is found in multiple mammalian species, which suggests that this missense change does not adversely affect protein function. This variant has not been reported in the literature in individuals affected with AKAP9-related conditions. This variant is not present in population databases (gnomAD no frequency). This sequence change replaces valine, which is neutral and non-polar, with methionine, which is neutral and non-polar, at codon 1712 of the AKAP9 protein (p.Val1712Met).

NM_005751.5(AKAP9):c.5134G>A (p.Val1712Met)

Gene: AKAP9 (A-kinase anchoring protein 9; plus strand). Cytogenetic location: 7q21.2.
Variant type: single nucleotide variant.
Coding change: c.5134G>A on transcript NM_005751.5 (MANE Select); coding-DNA position 5134, G replaced by A.
Protein change: p.Val1712Met; replaces valine 1712 with methionine.
Molecular consequence: missense variant.
Genome position (GRCh38, 1-based): chr7:92,042,743, G>A. VCF-style: chr7-92042743-G-A. GRCh37 (hg19) VCF-style: chr7-91672057-G-A.
Other names: c.5134G>A, p.Val1712Met (NM_147185.3); short protein forms V1712M.
Identifiers: ClinVar variation 2146845 (VCV002146845.4), dbSNP rs1584285334, ClinGen allele CA368130385.